The following is an entry in ClinVar:

NM_173630.4(RTTN):c.1550A>C (p.Glu517Ala)

Gene: RTTN (rotatin; minus strand). Cytogenetic location: 18q22.2.
Variant type: single nucleotide variant.
Coding change: c.1550A>C on transcript NM_173630.4 (MANE Select); coding-DNA position 1550, A replaced by C.
Protein change: p.Glu517Ala; replaces glutamic acid 517 with alanine.
Molecular consequence: missense variant. On other transcripts: intron variant (1).
Genome position (GRCh38, 1-based): chr18:70,168,994, T>G on the plus strand (A>C on the coding strand, the complement: RTTN is on the minus strand). VCF-style: chr18-70168994-T-G. GRCh37 (hg19) VCF-style: chr18-67836230-T-G.
Other names: c.-1077-21A>C (NM_001318520.2); short protein forms E517A.
Identifiers: ClinVar variation 2579356 (VCV002579356.1), dbSNP rs2512834873, ClinGen allele CA402698134.

ClinVar aggregate classification (germline): Uncertain significance (1 of 4 stars; one submission).

Submission:

GeneDx
Classification: Uncertain significance. Last evaluated: 2023-03-06. Review status: criteria provided, single submitter. Criteria: GeneDx Variant Classification Process June 2021. Collection method: clinical testing. Allele origin: germline. Affected: yes.
Comment: Not observed at significant frequency in large population cohorts (gnomAD); In silico analysis supports that this missense variant does not alter protein structure/function; Has not been previously published as pathogenic or benign to our knowledge